The following is an entry in ClinVar:

ClinVar aggregate classification (germline): Benign (1 of 4 stars; one submission).

Conditions:
Mendelian susceptibility to mycobacterial diseases due to complete IL12B deficiency. Also called: IL12B DEFICIENCY; Immunodeficiency 29. Identifiers: Orphanet 319558, MedGen C4013948, MONDO:0013954, OMIM 614890.

Allele frequency attached by ClinVar (database versions not stated): gnomAD exomes 0.84746; gnomAD 0.87183 and 0.87269; TOPMed 0.88120; 1000 Genomes Project 30x 0.91755; 1000 Genomes Project 0.92033.
gnomAD v4.1: 132,911 of 152,324 alleles (87%); highest among the groups gnomAD compares: East Asian, 100%; 58,212 homozygotes.

Submission:

Illumina Laboratory Services, Illumina
Classification: Benign for Mendelian susceptibility to mycobacterial diseases due to complete IL12B deficiency. Last evaluated: 2018-01-13. Review status: criteria provided, single submitter. Criteria: ICSL Variant Classification Criteria 13 December 2019. Collection method: clinical testing. Allele origin: germline.
Comment: This variant was observed in the ICSL laboratory as part of a predisposition screen in an ostensibly healthy population. It had not been previously curated by ICSL or reported in the Human Gene Mutation Database (HGMD: prior to June 1st, 2018), and was therefore a candidate for classification through an automated scoring system. Utilizing variant allele frequency, disease prevalence and penetrance estimates, and inheritance mode, an automated score was calculated to assess if this variant is too frequent to cause the disease. Based on the score and internal cut-off values, a variant classified as benign is not then subjected to further curation. The score for this variant resulted in a classification of benign for this disease.

NM_002187.3(IL12B):c.*1095C>A

Gene: IL12B (interleukin 12B; minus strand). Cytogenetic location: 5q33.3.
Variant type: single nucleotide variant.
Coding change: c.*1095C>A on transcript NM_002187.3 (MANE Select); 1095 bases downstream of the stop codon, C replaced by A.
Molecular consequence: 3 prime UTR variant.
Genome position (GRCh38, 1-based): chr5:159,315,006, G>T on the plus strand (C>A on the coding strand, the complement: IL12B is on the minus strand). VCF-style: chr5-159315006-G-T. GRCh37 (hg19) VCF-style: chr5-158742014-G-T.
Identifiers: ClinVar variation 352554 (VCV000352554.5), dbSNP rs1368439, ClinGen allele CA10623998.
Genomic context (GRCh38, chr5:159,315,006, plus strand): 5'-TTCATTCATGCTAATGAGAAAGGGATTCCAGATTTTCTTTGCATCTGTCTGCTTCTCACA[G>T]GGCTGTTAAGAAGCCACCTGCCATTCTGACAATTTCATGTCCTTAGCCATAACTACTTGT-3'